The following is an entry in ClinVar:

NM_172240.3(POC1B):c.637T>C (p.Trp213Arg)

Genes: POC1B (POC1 centriolar protein B; minus strand), POC1B-DUSP6 (POC1B-DUSP6 readthrough; minus strand). Cytogenetic location: 12q21.33.
Variant type: single nucleotide variant.
Coding change: c.637T>C on transcript NM_172240.3 (MANE Select); coding-DNA position 637, T replaced by C.
Protein change: p.Trp213Arg; replaces tryptophan 213 with arginine.
Molecular consequence: missense variant. On other transcripts: non-coding transcript variant (2).
Genome position (GRCh38, 1-based): chr12:89,471,653, A>G on the plus strand (T>C on the coding strand, the complement: POC1B is on the minus strand). VCF-style: chr12-89471653-A-G. GRCh37 (hg19) VCF-style: chr12-89865430-A-G.
Other names: c.511T>C, p.Trp171Arg (NM_001199777.2); short protein forms W171R, W213R.
Identifiers: ClinVar variation 2120922 (VCV002120922.4), dbSNP rs1377859938, ClinGen allele CA385997319.

ClinVar aggregate classification (germline): Uncertain significance (1 of 4 stars; one submission).

Allele frequency attached by ClinVar (database versions not stated): TOPMed below 0.00001.

Submission:

Labcorp Genetics (formerly Invitae), Labcorp
Classification: Uncertain significance. Last evaluated: 2025-04-28. Review status: criteria provided, single submitter. Criteria: Invitae Variant Classification Sherloc (09022015). Collection method: clinical testing. Allele origin: germline.
Comment: This sequence change replaces tryptophan, which is neutral and slightly polar, with arginine, which is basic and polar, at codon 213 of the POC1B protein (p.Trp213Arg). This variant is not present in population databases (gnomAD no frequency). This variant has not been reported in the literature in individuals affected with POC1B-related conditions. ClinVar contains an entry for this variant (Variation ID: 2120922). Invitae Evidence Modeling of protein sequence and biophysical properties (such as structural, functional, and spatial information, amino acid conservation, physicochemical variation, residue mobility, and thermodynamic stability) indicates that this missense variant is expected to disrupt POC1B protein function with a positive predictive value of 80%. In summary, the available evidence is currently insufficient to determine the role of this variant in disease. Therefore, it has been classified as a Variant of Uncertain Significance.